The following is an entry in ClinVar:

NM_001134363.3(RBM20):c.893C>A (p.Ala298Asp)

Gene: RBM20 (RNA binding motif protein 20; plus strand). Cytogenetic location: 10q25.2.
Variant type: single nucleotide variant.
Coding change: c.893C>A on transcript NM_001134363.3 (MANE Select); coding-DNA position 893, C replaced by A.
Protein change: p.Ala298Asp; replaces alanine 298 with aspartic acid.
Molecular consequence: missense variant.
Genome position (GRCh38, 1-based): chr10:110,781,502, C>A. VCF-style: chr10-110781502-C-A. GRCh37 (hg19) VCF-style: chr10-112541260-C-A.
Other names: short protein forms A298D.
Identifiers: ClinVar variation 4689861 (VCV004689861.1).

ClinVar aggregate classification (germline): Uncertain significance (1 of 4 stars; one submission).

Submission:

GeneDx
Classification: Uncertain significance. Last evaluated: 2025-07-31. Review status: criteria provided, single submitter. Criteria: GeneDx Variant Classification Process June 2021. Collection method: clinical testing. Allele origin: germline. Affected: yes.
Comment: Not observed at significant frequency in large population cohorts (gnomAD); In silico analysis suggests that this missense variant does not alter protein structure/function; Has not been previously published as pathogenic or benign to our knowledge